The following is an entry in ClinVar:

NM_001278431.2(C1QTNF5):c.394G>A (p.Glu132Lys)

Genes: MFRP (membrane frizzled-related protein; minus strand), C1QTNF5 (C1q and TNF related 5; minus strand). Cytogenetic location: 11q23.3.
Variant type: single nucleotide variant.
Coding change: c.394G>A on transcript NM_001278431.2 (MANE Select); coding-DNA position 394, G replaced by A.
Protein change: p.Glu132Lys; replaces glutamic acid 132 with lysine.
Molecular consequence: missense variant. On other transcripts: 3 prime UTR variant (1).
Genome position (GRCh38, 1-based): chr11:119,339,669, C>T on the plus strand (G>A on the coding strand, the complement: C1QTNF5 is on the minus strand). VCF-style: chr11-119339669-C-T. GRCh37 (hg19) VCF-style: chr11-119210379-C-T.
Other names: c.394G>A, p.Glu132Lys (NM_015645.5); c.*1290G>A (NM_031433.4); short protein forms E132K.
Identifiers: ClinVar variation 302927 (VCV000302927.14), dbSNP rs751401877, ClinGen allele CA6319947.

ClinVar aggregate classification (germline): Uncertain significance. Review status: criteria provided, multiple submitters, no conflicts (2 of 4 stars). 4 submissions from 3 submitters: Uncertain significance (4). Last evaluated 2022-02-10.

Conditions:
Isolated microphthalmia 5. Also called: Posterior Microphthalmia with Retinitis Pigmentosa, Foveoschisis, and Optic Disc Drusen. Identifiers: Orphanet 251279, MedGen C1970236, MONDO:0012605, OMIM 611040.
Late-onset retinal degeneration (LORD). Also called: RETINAL DEGENERATION, LATE-ONSET, AUTOSOMAL DOMINANT. Identifiers: Orphanet 67042, MedGen C1854065, MONDO:0011579, OMIM 605670. Disease mechanism: loss of function.

Allele frequency attached by ClinVar (database versions not stated): gnomAD 0.00002 and 0.00003; TOPMed 0.00002.
gnomAD v4.1: 14 of 1,611,540 alleles (0.00087%); highest among the groups gnomAD compares: East Asian, 0.027%; no homozygotes.

Submissions (4):

Labcorp Genetics (formerly Invitae), Labcorp
Classification: Uncertain significance. Last evaluated: 2022-02-10. Review status: criteria provided, single submitter. Criteria: Invitae Variant Classification Sherloc (09022015). Collection method: clinical testing. Allele origin: germline.
Comment: In summary, the available evidence is currently insufficient to determine the role of this variant in disease. Therefore, it has been classified as a Variant of Uncertain Significance. Algorithms developed to predict the effect of missense changes on protein structure and function (SIFT, PolyPhen-2, Align-GVGD) all suggest that this variant is likely to be disruptive. ClinVar contains an entry for this variant (Variation ID: 302927). This variant has not been reported in the literature in individuals affected with C1QTNF5-related conditions. This variant is present in population databases (rs751401877, gnomAD 0.03%). This sequence change replaces glutamic acid, which is acidic and polar, with lysine, which is basic and polar, at codon 132 of the C1QTNF5 protein (p.Glu132Lys).

Department of Pathology and Laboratory Medicine, Sinai Health System
Classification: Uncertain significance for Late-onset retinal degeneration. Last evaluated: 2021-07-30. Review status: criteria provided, single submitter. Criteria: ACMG Guidelines, 2015. Collection method: research. Allele origin: germline.

Illumina Laboratory Services, Illumina
Classification: Uncertain significance for Isolated microphthalmia 5. Last evaluated: 2018-01-13. Review status: criteria provided, single submitter. Criteria: ICSL Variant Classification Criteria 13 December 2019. Collection method: clinical testing. Allele origin: germline.

Illumina Laboratory Services, Illumina
Classification: Uncertain significance for Late-onset retinal degeneration. Last evaluated: 2018-01-13. Review status: criteria provided, single submitter. Criteria: ICSL Variant Classification Criteria 13 December 2019. Collection method: clinical testing. Allele origin: germline.